The following is an entry in ClinVar:

ClinVar aggregate classification (germline): Uncertain significance (1 of 4 stars; one submission).

Allele frequency attached by ClinVar (database versions not stated): gnomAD exomes below 0.00001; TOPMed below 0.00001.
gnomAD v4.1: 4 of 1,614,020 alleles (0.00025%); highest among the groups gnomAD compares: Non-Finnish European, 0.00034%; no homozygotes.

Submission:

Labcorp Genetics (formerly Invitae), Labcorp
Classification: Uncertain significance. Last evaluated: 2023-10-01. Review status: criteria provided, single submitter. Criteria: Invitae Variant Classification Sherloc (09022015). Collection method: clinical testing. Allele origin: germline.
Comment: This variant has not been reported in the literature in individuals affected with DNAAF4-related conditions. In summary, the available evidence is currently insufficient to determine the role of this variant in disease. Therefore, it has been classified as a Variant of Uncertain Significance. Advanced modeling of protein sequence and biophysical properties (such as structural, functional, and spatial information, amino acid conservation, physicochemical variation, residue mobility, and thermodynamic stability) performed at Invitae indicates that this missense variant is expected to disrupt DNAAF4 protein function. This variant is not present in population databases (gnomAD no frequency). This sequence change replaces cysteine, which is neutral and slightly polar, with arginine, which is basic and polar, at codon 35 of the DNAAF4 protein (p.Cys35Arg).

NM_130810.4(DNAAF4):c.103T>C (p.Cys35Arg)

Genes: DNAAF4 (dynein axonemal assembly factor 4; minus strand), DNAAF4-CCPG1 (DNAAF4-CCPG1 readthrough (NMD candidate); minus strand). Cytogenetic location: 15q21.3.
Variant type: single nucleotide variant.
Coding change: c.103T>C on transcript NM_130810.4 (MANE Select); coding-DNA position 103, T replaced by C.
Protein change: p.Cys35Arg; replaces cysteine 35 with arginine.
Molecular consequence: missense variant. On other transcripts: non-coding transcript variant (1).
Genome position (GRCh38, 1-based): chr15:55,498,227, A>G on the plus strand (T>C on the coding strand, the complement: DNAAF4 is on the minus strand). VCF-style: chr15-55498227-A-G. GRCh37 (hg19) VCF-style: chr15-55790425-A-G.
Other names: c.103T>C, p.Cys35Arg (NM_001033559.3, NM_001033560.2); short protein forms C35R.
Identifiers: ClinVar variation 3023646 (VCV003023646.2), dbSNP rs1288206962, ClinGen allele CA392553582.
Genomic context (GRCh38, chr15:55,498,227, plus strand): 5'-CACACCCCCGGAGACCGGCAGGCAAGACTTGCATTCTTACCTTCAGATAGTTTTCCGTGC[A>G]GAACACGTCCGTGTCTCTGACGCACACGCCTTTGAGGGGCAGAGACAGAAAGACCGCAGT-3'
Protein context (NP_570722.2, residues 25-45): GVCVRDTDVF[Cys35Arg]TENYLKVNFP